The following is an entry in ClinVar:

NM_001012339.3(DNAJC21):c.805C>T (p.Gln269Ter)

Gene: DNAJC21 (DnaJ heat shock protein family (Hsp40) member C21; plus strand). Cytogenetic location: 5p13.2.
Variant type: single nucleotide variant.
Coding change: c.805C>T on transcript NM_001012339.3 (MANE Select); coding-DNA position 805, C replaced by T.
Protein change: p.Gln269Ter; replaces glutamine 269 with a stop codon.
Molecular consequence: nonsense.
Genome position (GRCh38, 1-based): chr5:34,938,919, C>T. VCF-style: chr5-34938919-C-T. GRCh37 (hg19) VCF-style: chr5-34939024-C-T.
Other names: c.805C>T, p.Gln269Ter (NM_001348420.2, NM_194283.4); short protein forms Q269*.
Identifiers: ClinVar variation 3011755 (VCV003011755.3), dbSNP rs774730633, ClinGen allele CA359416192.
Genomic context (GRCh38, chr5:34,938,919, plus strand): 5'-CTGGTGGAGCAGTACAGAGAACAGAGCTGGATGACTATGGCCAATTTGGAGAAAGAGCTC[C>T]AGGAGATGGAGGCACGGTACGAGAAGGAGTTTGGAGATGGATCGGATGAAAATGAAATGG-3'

ClinVar aggregate classification (germline): Pathogenic (1 of 4 stars; one submission).

gnomAD v4.1: 2 of 1,614,056 alleles (0.00012%); highest among the groups gnomAD compares: Non-Finnish European, 0.00017%; no homozygotes.

Submission:

Labcorp Genetics (formerly Invitae), Labcorp
Classification: Pathogenic. Last evaluated: 2023-08-16. Review status: criteria provided, single submitter. Criteria: Invitae Variant Classification Sherloc (09022015). Collection method: clinical testing. Allele origin: germline.
Comment: This sequence change creates a premature translational stop signal (p.Gln269*) in the DNAJC21 gene. It is expected to result in an absent or disrupted protein product. Loss-of-function variants in DNAJC21 are known to be pathogenic (PMID: 27346687, 28062395). This variant is not present in population databases (gnomAD no frequency). This variant has not been reported in the literature in individuals affected with DNAJC21-related conditions. For these reasons, this variant has been classified as Pathogenic.

Literature cited by the submitters: PubMed 27346687; PubMed 28062395.